The following is an entry in ClinVar:

NM_002485.5(NBN):c.2096T>C (p.Leu699Pro)

Gene: NBN (nibrin; minus strand). Cytogenetic location: 8q21.3.
Variant type: single nucleotide variant.
Coding change: c.2096T>C on transcript NM_002485.5 (MANE Select); coding-DNA position 2096, T replaced by C.
Protein change: p.Leu699Pro; replaces leucine 699 with proline.
Molecular consequence: missense variant.
Genome position (GRCh38, 1-based): chr8:89,943,341, A>G on the plus strand (T>C on the coding strand, the complement: NBN is on the minus strand). VCF-style: chr8-89943341-A-G. GRCh37 (hg19) VCF-style: chr8-90955569-A-G.
Other names: c.1850T>C, p.Leu617Pro (NM_001024688.3); short protein forms L617P, L699P.
Identifiers: ClinVar variation 834195 (VCV000834195.13), dbSNP rs1810039016, ClinGen allele CA371675759.
Genomic context (GRCh38, chr8:89,943,341, plus strand): 5'-AGTTCTGTATTCTTTCGAGCATGATGAGCTATTAGATCTGATCCTCCAATGATGTGTGGA[A>G]GTTTTCCTGCTCCAGGATATGTGACCTATTGAATAATAAAAGTAGTACAGTAAATCATAT-3'
Protein context (NP_002476.2, residues 689-709): KKVTYPGAGK[Leu699Pro]PHIIGGSDLI

ClinVar aggregate classification (germline): Uncertain significance. Review status: criteria provided, multiple submitters, no conflicts (2 of 4 stars). 2 submissions from 2 submitters: Uncertain significance (2). Last evaluated 2021-11-07.

Conditions:
Microcephaly, normal intelligence and immunodeficiency (NBS). Also called: Ataxia telangiectasia variant V1; Nijmegen breakage syndrome; Immunodeficiency, microcephaly with normal intelligence; IMMUNODEFICIENCY, MICROCEPHALY, AND CHROMOSOMAL INSTABILITY; SEEMANOVA SYNDROME II; BERLIN BREAKAGE SYNDROME. Identifiers: Orphanet 647, MedGen C0398791, MONDO:0009623, OMIM 251260.

Submissions (2):

Genome-Nilou Lab
Classification: Uncertain significance for Microcephaly, normal intelligence and immunodeficiency. Last evaluated: 2021-11-07. Review status: criteria provided, single submitter. Criteria: ACMG Guidelines, 2015. Collection method: clinical testing. Allele origin: germline. Affected: no.

Labcorp Genetics (formerly Invitae), Labcorp
Classification: Uncertain significance for Microcephaly, normal intelligence and immunodeficiency. Last evaluated: 2019-04-04. Review status: criteria provided, single submitter. Criteria: Invitae Variant Classification Sherloc (09022015). Collection method: clinical testing. Allele origin: germline.
Comment: This sequence change replaces leucine with proline at codon 699 of the NBN protein (p.Leu699Pro). The leucine residue is moderately conserved and there is a moderate physicochemical difference between leucine and proline. In summary, the available evidence is currently insufficient to determine the role of this variant in disease. Therefore, it has been classified as a Variant of Uncertain Significance. Algorithms developed to predict the effect of missense changes on protein structure and function are either unavailable or do not agree on the potential impact of this missense change (SIFT: "Tolerated"; PolyPhen-2: "Probably Damaging"; Align-GVGD: "Class C0"). This variant has not been reported in the literature in individuals with NBN-related conditions. This variant is not present in population databases (ExAC no frequency).